The following is an entry in ClinVar:

NM_002471.4(MYH6):c.1894G>A (p.Asp632Asn)

Gene: MYH6 (myosin heavy chain 6; minus strand). Cytogenetic location: 14q11.2.
Variant type: single nucleotide variant.
Coding change: c.1894G>A on transcript NM_002471.4 (MANE Select); coding-DNA position 1894, G replaced by A.
Protein change: p.Asp632Asn; replaces aspartic acid 632 with asparagine.
Molecular consequence: missense variant.
Genome position (GRCh38, 1-based): chr14:23,397,611, C>T on the plus strand (G>A on the coding strand, the complement: MYH6 is on the minus strand). VCF-style: chr14-23397611-C-T. GRCh37 (hg19) VCF-style: chr14-23866820-C-T.
Other names: short protein forms D632N.
Identifiers: ClinVar variation 1712631 (VCV001712631.5), dbSNP rs367607444, ClinGen allele CA257791258.

ClinVar aggregate classification (germline): Conflicting classifications of pathogenicity. Review status: criteria provided, conflicting classifications (1 of 4 stars). 3 submissions from 3 submitters: Uncertain significance (2); Likely benign (1). Last evaluated 2025-11-20.

Conditions:
Hypertrophic cardiomyopathy 14. Identifiers: MedGen C2750467, MONDO:0013197, OMIM 613251.
Cardiovascular phenotype. Identifiers: MedGen CN230736.

Allele frequency attached by ClinVar (database versions not stated): gnomAD 0.00001; TOPMed 0.00002.
gnomAD v4.1: 6 of 1,613,990 alleles (0.00037%); highest among the groups gnomAD compares: South Asian, 0.0033%; no homozygotes.

Submissions (3):

Labcorp Genetics (formerly Invitae), Labcorp
Classification: Uncertain significance for Hypertrophic cardiomyopathy 14. Last evaluated: 2025-11-20. Review status: criteria provided, single submitter. Criteria: Invitae Variant Classification Sherloc (09022015). Collection method: clinical testing. Allele origin: germline.
Comment: This sequence change replaces aspartic acid, which is acidic and polar, with asparagine, which is neutral and polar, at codon 632 of the MYH6 protein (p.Asp632Asn). This variant is present in population databases (rs367607444, gnomAD 0.008%). This variant has not been reported in the literature in individuals affected with MYH6-related conditions. ClinVar contains an entry for this variant (Variation ID: 1712631). An algorithm developed to predict the effect of missense changes on protein structure and function (PolyPhen-2) suggests that this variant is likely to be tolerated. In summary, the available evidence is currently insufficient to determine the role of this variant in disease. Therefore, it has been classified as a Variant of Uncertain Significance.

GeneDx
Classification: Uncertain significance. Last evaluated: 2025-10-02. Review status: criteria provided, single submitter. Criteria: GeneDx Variant Classification Process June 2021. Collection method: clinical testing. Allele origin: germline.
Comment: Not observed at significant frequency in large population cohorts (gnomAD); In silico analysis suggests that this missense variant does not alter protein structure/function; Has not been previously published as pathogenic or benign to our knowledge

Ambry Genetics
Classification: Likely benign for Cardiovascular phenotype. Last evaluated: 2025-02-19. Review status: criteria provided, single submitter. Criteria: Ambry Variant Classification Scheme 2023. Collection method: clinical testing. Allele origin: germline.